The following is an entry in ClinVar:

ClinVar aggregate classification (germline): Uncertain significance (1 of 4 stars; one submission).

Conditions:
Autosomal recessive nonsyndromic hearing loss 77. Identifiers: Orphanet 90636, MedGen C2746083, MONDO:0013119, OMIM 613079.

gnomAD v4.1: 1 of 1,551,566 alleles (0.000064%); highest among the groups gnomAD compares: African/African-American, 0.0014%; no homozygotes.

Submission:

Myriad Genetics, Inc.
Classification: Uncertain significance for Autosomal recessive nonsyndromic hearing loss 77. Last evaluated: 2026-03-11. Review status: criteria provided, single submitter. Criteria: Myriad Autosomal Dominant, Autosomal Recessive and X-Linked Classification Criteria (2023). Collection method: clinical testing. Allele origin: unknown.
Comment: NM_144612.6(LOXHD1):c.6155+1G>A is a variant in a canonical splice site classified as a variant of uncertain significance in the context of nonsyndromic hearing loss, LOXHD1-related. c.6155+1G>A has not been observed in cases with relevant disease. Relevant functional assessments of this variant are not available in the literature. c.6155+1G>A has been observed in referenced population frequency databases. In summary, there is insufficient evidence to classify NM_144612.6(LOXHD1):c.6155+1G>A as pathogenic or benign. Please note: this variant was assessed in the context of healthy population screening.

NM_001384474.1(LOXHD1):c.6341+1G>A

Gene: LOXHD1 (lipoxygenase homology PLAT domains 1; minus strand). Cytogenetic location: 18q21.1.
Variant type: single nucleotide variant.
Coding change: c.6341+1G>A on transcript NM_001384474.1 (MANE Select); the canonical splice donor site of the intron after coding-DNA position 6341, G replaced by A.
Molecular consequence: splice donor variant.
Genome position (GRCh38, 1-based): chr18:46,483,586, C>T on the plus strand (G>A on the coding strand, the complement: LOXHD1 is on the minus strand). VCF-style: chr18-46483586-C-T. GRCh37 (hg19) VCF-style: chr18-44063549-C-T.
Other names: c.3008+1G>A (NM_001145472.3); c.2720+1G>A (NM_001308013.2); c.1058+1G>A (NM_001173129.2, NM_001145473.3); c.6155+1G>A (NM_144612.7).
Identifiers: ClinVar variation 5003612 (VCV005003612.1), dbSNP rs922753545.